The following is an entry in ClinVar:

NM_003049.4(SLC10A1):c.104T>A (p.Leu35Ter)

Gene: SLC10A1 (solute carrier family 10 member 1; minus strand). Cytogenetic location: 14q24.1.
Variant type: single nucleotide variant.
Coding change: c.104T>A on transcript NM_003049.4 (MANE Select); coding-DNA position 104, T replaced by A.
Protein change: p.Leu35Ter; replaces leucine 35 with a stop codon.
Molecular consequence: nonsense.
Genome position (GRCh38, 1-based): chr14:69,797,052, A>T on the plus strand (T>A on the coding strand, the complement: SLC10A1 is on the minus strand). VCF-style: chr14-69797052-A-T. GRCh37 (hg19) VCF-style: chr14-70263769-A-T.
Other names: p.Leu35Ter; c.104T>A (NM_003049.3); short protein forms L35*.
Identifiers: ClinVar variation 500821 (VCV000500821.8), dbSNP rs200282964, ClinGen allele CA7246283.

ClinVar aggregate classification (germline): Conflicting classifications of pathogenicity. Review status: criteria provided, conflicting classifications (1 of 4 stars). 4 submissions from 4 submitters: Pathogenic (1); Likely pathogenic (2); Uncertain significance (1). Last evaluated 2026-02-02.

Conditions:
Hypercholanemia, familial, 2. Also called: NTCP deficiency. Identifiers: MedGen C5543243, MONDO:0031003, OMIM 619256. Disease mechanism: loss of function.
SLC10A1-related disorder. Also called: SLC10A1-related condition.

Allele frequency attached by ClinVar (database versions not stated): gnomAD exomes 0.00001 and 0.00003; ExAC 0.00002; gnomAD 0.00002 and 0.00004; TOPMed 0.00002; 1000 Genomes Project 0.00060; 1000 Genomes Project 30x 0.00062.
gnomAD v4.1: 25 of 1,614,202 alleles (0.0015%); highest among the groups gnomAD compares: Admixed American, 0.042%; no homozygotes.

Submissions (4):

PreventionGenetics, part of Exact Sciences
Classification: Likely pathogenic for SLC10A1-related condition. Last evaluated: 2026-02-02. Review status: criteria provided, single submitter. Criteria: ACMG Guidelines, 2015. Collection method: clinical testing. Allele origin: germline.
Comment: The SLC10A1 c.104T>A variant is predicted to result in premature protein termination (p.Leu35*). To our knowledge, this variant was not previously reported in the literature in an individual with established SLC10A1-related disease. However, a similar loss-of-function variant in this exon (c.34_38del, p.Phe12Profs*46) was previously reported in the homozygous state in two individuals with suspected SLC10A1 deficiency (Schneider et al. 2021. PubMed ID: 34757153; Supplementary Table 1, Gorukmez et al. 2023. PubMed ID: 36964972). This variant is reported in 0.023% of alleles in individuals of Latino descent in gnomAD. Taken together, we classify this variant as likely pathogenic.

First Genomix Gene Laboratory, Genetic Diagnostics Department
Classification: Likely pathogenic for Hypercholanemia, familial, 2. Last evaluated: 2025-03-17. Review status: criteria provided, single submitter. Criteria: ACMG Guidelines, 2015. Collection method: clinical testing. Allele origin: germline. Inheritance: Autosomal recessive inheritance. Affected: no. Observed: 1 variant allele.

Molecular Genetics and NGS Laboratory, Hospital Fundacion Valle Del Lili
Classification: Pathogenic for Hypercholanemia, familial, 2. Last evaluated: 2023-11-07. Review status: criteria provided, single submitter. Criteria: ACMG Guidelines, 2015. Collection method: clinical testing. Allele origin: germline. Affected: yes. Observed: 1 variant allele.

Eurofins Ntd Llc (ga)
Classification: Uncertain significance. Last evaluated: 2018-06-26. Review status: criteria provided, single submitter. Criteria: EGL ClinVar v180209 classification definitions. Collection method: clinical testing. Allele origin: germline. Observed: 5 variant alleles, 4 heterozygotes, 1 homozygote.